The following is an entry in ClinVar:

NM_000051.4(ATM):c.1802+3A>C

Gene: ATM (ATM serine/threonine kinase; plus strand). Cytogenetic location: 11q22.3.
Variant type: single nucleotide variant.
Coding change: c.1802+3A>C on transcript NM_000051.4 (MANE Select); 3 bases into the intron after coding-DNA position 1802, A replaced by C.
Molecular consequence: intron variant.
Genome position (GRCh38, 1-based): chr11:108,252,034, A>C. VCF-style: chr11-108252034-A-C. GRCh37 (hg19) VCF-style: chr11-108122761-A-C.
Other names: c.1802+3A>C (NM_001351834.2).
Identifiers: ClinVar variation 2029671 (VCV002029671.4), dbSNP rs1591528500, ClinGen allele CA2580083796.

ClinVar aggregate classification (germline): Uncertain significance (1 of 4 stars; one submission).

Conditions:
Ataxia-telangiectasia syndrome (AT). Also called: Ataxia-telangiectasia, complementation group D; ATAXIA-TELANGIECTASIA, COMPLEMENTATION GROUP A; ATAXIA-TELANGIECTASIA, FRESNO VARIANT; Ataxia-telangiectasia; Ataxia telangiectasia (A-T); Cerebello-oculocutaneous telangiectasia. Identifiers: Orphanet 100, MedGen C0004135, MONDO:0008840, OMIM 208900.

Submission:

Labcorp Genetics (formerly Invitae), Labcorp
Classification: Uncertain significance for Ataxia-telangiectasia syndrome. Last evaluated: 2022-09-09. Review status: criteria provided, single submitter. Criteria: Invitae Variant Classification Sherloc (09022015). Collection method: clinical testing. Allele origin: germline.
Comment: This variant is not present in population databases (gnomAD no frequency). In summary, the available evidence is currently insufficient to determine the role of this variant in disease. Therefore, it has been classified as a Variant of Uncertain Significance. Variants that disrupt the consensus splice site are a relatively common cause of aberrant splicing (PMID: 17576681, 9536098). Algorithms developed to predict the effect of sequence changes on RNA splicing suggest that this variant may disrupt the consensus splice site. This variant has not been reported in the literature in individuals affected with ATM-related conditions. This sequence change falls in intron 11 of the ATM gene. It does not directly change the encoded amino acid sequence of the ATM protein. It affects a nucleotide within the consensus splice site.

Literature cited by the submitters: PubMed 17576681; PubMed 9536098.